The following is an entry in ClinVar:

NM_001082486.2(ACD):c.527G>T (p.Arg176Leu)

Gene: ACD (ACD shelterin complex subunit and telomerase recruitment factor; minus strand). Cytogenetic location: 16q22.1.
Variant type: single nucleotide variant.
Coding change: c.527G>T on transcript NM_001082486.2 (MANE Select); coding-DNA position 527, G replaced by T.
Protein change: p.Arg176Leu; replaces arginine 176 with leucine.
Molecular consequence: missense variant.
Genome position (GRCh38, 1-based): chr16:67,659,046, C>A on the plus strand (G>T on the coding strand, the complement: ACD is on the minus strand). VCF-style: chr16-67659046-C-A. GRCh37 (hg19) VCF-style: chr16-67692949-C-A.
Other names: c.518G>T, p.Arg173Leu (NM_022914.3); short protein forms R173L, R176L.
Identifiers: ClinVar variation 863083 (VCV000863083.10), dbSNP rs145007645, ClinGen allele CA8114630.

ClinVar aggregate classification (germline): Uncertain significance. Review status: criteria provided, multiple submitters, no conflicts (2 of 4 stars). 2 submissions from 2 submitters: Uncertain significance (2). Last evaluated 2025-12-16.

Conditions:
ACD-related disorder. Also called: ACD-related condition.
Dyskeratosis congenita, autosomal dominant 6 (DKCA6). Identifiers: Orphanet 3322, MedGen C4225284, MONDO:0014690, OMIM 616553.

Allele frequency attached by ClinVar (database versions not stated): TOPMed 0.00004.
gnomAD v4.1: 149 of 1,613,818 alleles (0.0092%); highest among the groups gnomAD compares: Non-Finnish European, 0.012%; no homozygotes.

Submissions (2):

Labcorp Genetics (formerly Invitae), Labcorp
Classification: Uncertain significance for Dyskeratosis congenita, autosomal dominant 6. Last evaluated: 2025-12-16. Review status: criteria provided, single submitter. Criteria: Invitae Variant Classification Sherloc (09022015). Collection method: clinical testing. Allele origin: germline.
Comment: This sequence change replaces arginine, which is basic and polar, with leucine, which is neutral and non-polar, at codon 262 of the ACD protein (p.Arg262Leu). This variant is present in population databases (rs145007645, gnomAD 0.007%). This missense change has been observed in individual(s) with papillary thyroid cancer (PMID: 38688277). This variant is also known as c.527G>T (p.Arg176Leu). ClinVar contains an entry for this variant (Variation ID: 863083). Invitae Evidence Modeling of protein sequence and biophysical properties (such as structural, functional, and spatial information, amino acid conservation, physicochemical variation, residue mobility, and thermodynamic stability) indicates that this missense variant is not expected to disrupt ACD protein function with a negative predictive value of 80%. In summary, the available evidence is currently insufficient to determine the role of this variant in disease. Therefore, it has been classified as a Variant of Uncertain Significance.

PreventionGenetics, part of Exact Sciences
Classification: Uncertain significance for ACD-related condition. Last evaluated: 2022-10-05. Review status: criteria provided, single submitter. Criteria: ACMG Guidelines, 2015. Collection method: clinical testing. Allele origin: germline.
Comment: The ACD c.785G>T variant is predicted to result in the amino acid substitution p.Arg262Leu. To our knowledge, this variant has not been reported in the literature. This variant is reported in 0.0097% of alleles in individuals of European (Non-Finnish) descent in gnomAD. At this time, the clinical significance of this variant is uncertain due to the absence of conclusive functional and genetic evidence.

Literature cited by the submitters: PubMed 38688277 (cited by Labcorp Genetics (formerly Invitae), Labcorp).